The following is an entry in ClinVar:

NM_021922.3(FANCE):c.1122_1124del (p.Leu375del)

Gene: FANCE (FA complementation group E; plus strand). Cytogenetic location: 6p21.31.
Variant type: Deletion.
Coding change: c.1122_1124del on transcript NM_021922.3 (MANE Select); coding-DNA positions 1122 to 1124, 3 bases deleted (CTT; older notation c.1122_1124delCTT).
Protein change: p.Leu375del; deletes leucine 375.
Genome position (GRCh38, 1-based): chr6:35,459,339-35,459,341, CTT deleted. VCF-style (leftmost placement, unchanged base first): chr6-35459338-CCTT-C. GRCh37 (hg19) VCF-style: chr6-35427115-CCTT-C.
Other names: c.1122_1124del, p.Leu375del (NM_001410876.1); short protein forms L375del.
Identifiers: ClinVar variation 4807523 (VCV004807523.1).

ClinVar aggregate classification (germline): Uncertain significance (1 of 4 stars; one submission).

Conditions:
Fanconi anemia complementation group E (FANCE). Also called: FANCE-Related Fanconi Anemia. Identifiers: Orphanet 84, MedGen C3160739, MONDO:0010953, OMIM 600901.

Submission:

Labcorp Genetics (formerly Invitae), Labcorp
Classification: Uncertain significance for Fanconi anemia complementation group E. Last evaluated: 2025-06-05. Review status: criteria provided, single submitter. Criteria: Invitae Variant Classification Sherloc (09022015). Collection method: clinical testing. Allele origin: germline.
Comment: This variant, c.1122_1124del, results in the deletion of 1 amino acid(s) of the FANCE protein (p.Leu375del), but otherwise preserves the integrity of the reading frame. This variant is present in population databases (no rsID available, gnomAD 0.007%). This variant has not been reported in the literature in individuals affected with FANCE-related conditions. Experimental studies and prediction algorithms are not available or were not evaluated, and the functional significance of this variant is currently unknown. In summary, the available evidence is currently insufficient to determine the role of this variant in disease. Therefore, it has been classified as a Variant of Uncertain Significance.